The following is an entry in ClinVar:

NM_000548.5(TSC2):c.183A>G (p.Ile61Met)

Gene: TSC2 (TSC complex subunit 2; plus strand). Cytogenetic location: 16p13.3.
Variant type: single nucleotide variant.
Coding change: c.183A>G on transcript NM_000548.5 (MANE Select); coding-DNA position 183, A replaced by G.
Protein change: p.Ile61Met; replaces isoleucine 61 with methionine.
Molecular consequence: missense variant. On other transcripts: 5 prime UTR variant (1).
Genome position (GRCh38, 1-based): chr16:2,050,444, A>G. VCF-style: chr16-2050444-A-G. GRCh37 (hg19) VCF-style: chr16-2100445-A-G.
Other names: c.183A>G, p.Ile61Met (NM_001114382.3, NM_001318827.2, NM_001363528.2 and 4 more transcripts); c.36A>G, p.Ile12Met (NM_001318829.2); c.-44A>G (NM_001318831.2); c.216A>G, p.Ile72Met (NM_001318832.2); c.183A>G (NM_001114382.2, NM_000548.3); short protein forms I12M, I61M, I72M.
Identifiers: ClinVar variation 1007004 (VCV001007004.12), dbSNP rs2084961841, ClinGen allele CA394303367.

ClinVar aggregate classification (germline): Conflicting classifications of pathogenicity. Review status: criteria provided, conflicting classifications (1 of 4 stars). 4 submissions from 4 submitters: Uncertain significance (3); Likely benign (1). Last evaluated 2025-05-25.

Conditions:
Hereditary cancer-predisposing syndrome. Also called: Hereditary neoplastic syndrome; Neoplastic Syndromes, Hereditary; Tumor predisposition; Hereditary Cancer Syndrome. Identifiers: Orphanet 140162, MedGen C0027672, MeSH D009386, MONDO:0015356.
Isolated focal cortical dysplasia type II (FCORD2). Also called: Focal cortical dysplasia type II; CORTICAL DYSPLASIA OF TAYLOR. Identifiers: Orphanet 268994, MedGen C1846385, MONDO:0011818, OMIM 607341, HP:0032051.
Autism spectrum disorder. Also called: Autism spectrum disorders. Identifiers: MedGen C1510586, MeSH D000067877, MONDO:0005258.
Tuberous sclerosis 2 (TSC2). Identifiers: Orphanet 805, MedGen C1860707, MONDO:0013199, OMIM 613254.

Submissions (4):

Ambry Genetics
Classification: Uncertain significance for Hereditary cancer-predisposing syndrome. Last evaluated: 2025-05-25. Review status: criteria provided, single submitter. Criteria: Ambry Variant Classification Scheme 2023. Collection method: clinical testing. Allele origin: germline.
Comment: The p.I61M variant (also known as c.183A>G), located in coding exon 2 of the TSC2 gene, results from an A to G substitution at nucleotide position 183. The isoleucine at codon 61 is replaced by methionine, an amino acid with highly similar properties. This amino acid position is conserved. In addition, the in silico prediction for this alteration is inconclusive. Based on the available evidence, the clinical significance of this variant remains unclear.

Baylor Genetics
Classification: Uncertain significance for Isolated focal cortical dysplasia type II. Last evaluated: 2023-09-05. Review status: criteria provided, single submitter. Criteria: ACMG Guidelines, 2015. Collection method: clinical testing. Allele origin: unknown.

Department of Genetics, Rouen University Hospital, Normandy Center for Genomic and Personalized Medicine
Classification: Likely benign for Autism spectrum disorder. Last evaluated: 2021-08-13. Review status: criteria provided, single submitter. Criteria: ACMG Guidelines, 2015. Collection method: clinical testing. Allele origin: maternal. Affected: yes.

Labcorp Genetics (formerly Invitae), Labcorp
Classification: Uncertain significance for Tuberous sclerosis 2. Last evaluated: 2020-10-01. Review status: criteria provided, single submitter. Criteria: Invitae Variant Classification Sherloc (09022015). Collection method: clinical testing. Allele origin: germline.
Comment: This sequence change replaces isoleucine with methionine at codon 61 of the TSC2 protein (p.Ile61Met). The isoleucine residue is moderately conserved and there is a small physicochemical difference between isoleucine and methionine. This variant is not present in population databases (ExAC no frequency). This variant has not been reported in the literature in individuals with TSC2-related conditions. Advanced modeling of protein sequence and biophysical properties (such as structural, functional, and spatial information, amino acid conservation, physicochemical variation, residue mobility, and thermodynamic stability) performed at Invitae indicates that this missense variant is not expected to disrupt TSC2 protein function. In summary, the available evidence is currently insufficient to determine the role of this variant in disease. Therefore, it has been classified as a Variant of Uncertain Significance.